The following is an entry in ClinVar:

NM_006466.4(POLR3F):c.828C>A (p.Ile276=)

Gene: POLR3F (RNA polymerase III subunit F; plus strand). Cytogenetic location: 20p11.23.
Variant type: single nucleotide variant.
Coding change: c.828C>A on transcript NM_006466.4 (MANE Select); coding-DNA position 828, C replaced by A.
Protein change: p.Ile276=; no amino-acid change (isoleucine 276 retained).
Molecular consequence: synonymous variant. On other transcripts: non-coding transcript variant (1).
Genome position (GRCh38, 1-based): chr20:18,481,765, C>A. VCF-style: chr20-18481765-C-A. GRCh37 (hg19) VCF-style: chr20-18462409-C-A.
Other names: c.705C>A, p.Ile235= (NM_001282526.2); c.684C>A, p.Ile228= (NM_001410821.1).
Identifiers: ClinVar variation 2652221 (VCV002652221.24), dbSNP rs2059811218, ClinGen allele CA509828910.

ClinVar aggregate classification (germline): Likely benign (1 of 4 stars; one submission).

Submission:

CeGaT Center for Human Genetics Tuebingen
Classification: Likely benign. Last evaluated: 2023-03-01. Review status: criteria provided, single submitter. Criteria: CeGaT Center For Human Genetics Tuebingen Variant Classification Criteria Version 2. Collection method: clinical testing. Allele origin: germline. Affected: yes. Observed: 1 variant allele.
Comment: POLR3F: PM2:Supporting, BP4, BP7